The following is an entry in ClinVar:

ClinVar aggregate classification (germline): Uncertain significance (1 of 4 stars; one submission).

Conditions:
Intellectual developmental disorder, autosomal dominant 1. Also called: Intellectual disability, autosomal dominant 1; MBD5 Haploinsufficiency. Identifiers: Orphanet 228402, MedGen C1969562, MONDO:0007974, OMIM 156200.

Submission:

Labcorp Genetics (formerly Invitae), Labcorp
Classification: Uncertain significance for Intellectual developmental disorder, autosomal dominant 1. Last evaluated: 2022-08-10. Review status: criteria provided, single submitter. Criteria: Invitae Variant Classification Sherloc (09022015). Collection method: clinical testing. Allele origin: germline.
Comment: In summary, the available evidence is currently insufficient to determine the role of this variant in disease. Therefore, it has been classified as a Variant of Uncertain Significance. Algorithms developed to predict the effect of missense changes on protein structure and function are either unavailable or do not agree on the potential impact of this missense change (SIFT: "Deleterious"; PolyPhen-2: "Possibly Damaging"; Align-GVGD: "Class C0"). This variant has not been reported in the literature in individuals affected with MBD5-related conditions. This variant is not present in population databases (gnomAD no frequency). This sequence change replaces proline, which is neutral and non-polar, with serine, which is neutral and polar, at codon 22 of the MBD5 protein (p.Pro22Ser).

NM_001378120.1(MBD5):c.64C>T (p.Pro22Ser)

Gene: MBD5 (methyl-CpG binding domain protein 5; plus strand). Cytogenetic location: 2q23.1.
Variant type: single nucleotide variant.
Coding change: c.64C>T on transcript NM_001378120.1 (MANE Select); coding-DNA position 64, C replaced by T.
Protein change: p.Pro22Ser; replaces proline 22 with serine.
Molecular consequence: missense variant.
Genome position (GRCh38, 1-based): chr2:148,458,822, C>T. VCF-style: chr2-148458822-C-T. GRCh37 (hg19) VCF-style: chr2-149216391-C-T.
Other names: c.64C>T, p.Pro22Ser (NM_018328.5); short protein forms P22S.
Identifiers: ClinVar variation 1715681 (VCV001715681.6), dbSNP rs2469777952, ClinGen allele CA348715521.